The following is an entry in ClinVar:

NM_014363.6(SACS):c.1339_1340del (p.Phe447fs)

Gene: SACS (sacsin molecular chaperone; minus strand). Cytogenetic location: 13q12.12.
Variant type: Deletion.
Coding change: c.1339_1340del on transcript NM_014363.6 (MANE Select); coding-DNA positions 1339 to 1340, 2 bases deleted (TT; older notation c.1339_1340delTT).
Protein change: p.Phe447fs; shifts the reading frame from phenylalanine 447.
Molecular consequence: frameshift variant.
Genome position (GRCh38, 1-based): chr13:23,355,272-23,355,273, AA deleted on the plus strand (TT on the coding strand, the reverse complement: SACS is on the minus strand); deleting any 2 consecutive bases within chr13:23,355,272-23,355,274 gives the same sequence; the c. name uses the placement nearest the transcript's 3' end. VCF-style (leftmost placement, unchanged base first): chr13-23355271-GAA-G. GRCh37 (hg19) VCF-style: chr13-23929410-GAA-G.
Other names: c.898_899del, p.Phe300fs (NM_001278055.2); short protein forms F300fs, F447fs.
Identifiers: ClinVar variation 4061085 (VCV004061085.2).

ClinVar aggregate classification (germline): Likely pathogenic (1 of 4 stars; one submission).

Conditions:
Charlevoix-Saguenay spastic ataxia (SACS). Also called: AUTOSOMAL RECESSIVE SPASTIC ATAXIA OF CHARLEVOIX-SAGUENAY; Spastic ataxia of Charlevoix-Saguenay; SPASTIC ATAXIA 6, AUTOSOMAL RECESSIVE. Identifiers: Orphanet 98, MedGen C1849140, MONDO:0010041, OMIM 270550.

Submission:

Natera, Inc.
Classification: Likely pathogenic for Charlevoix-Saguenay type spastic ataxia. Last evaluated: 2025-03-20. Review status: criteria provided, single submitter. Criteria: Natera Variant Classification Schema (03/2026). Collection method: clinical testing. Allele origin: germline.
Comment: The c.1339_1340del variant in SACS is a frameshift variant predicted to shift the reading frame beginning at codon 447 and leads to a stop codon 7 codons downstream. This variant is expected to result in nonsense mediated decay, truncation, or a dysfunctional protein product. This variant is rare in the general population with a frequency below the threshold expected for the associated phenotype(s). Given the available evidence, this variant is classified as Likely Pathogenic.